The following is an entry in ClinVar:

ClinVar aggregate classification (germline): Uncertain significance (1 of 4 stars; one submission).

Submission:

GeneDx
Classification: Uncertain significance. Last evaluated: 2025-06-05. Review status: criteria provided, single submitter. Criteria: GeneDx Variant Classification Process June 2021. Collection method: clinical testing. Allele origin: germline. Affected: yes.
Comment: Not observed at significant frequency in large population cohorts (gnomAD); In silico analysis supports that this missense variant has a deleterious effect on protein structure/function; Has not been previously published as pathogenic or benign to our knowledge

NM_001395002.1(MAP4K4):c.4128A>T (p.Leu1376Phe)

Gene: MAP4K4 (mitogen-activated protein kinase kinase kinase kinase 4; plus strand). Cytogenetic location: 2q11.2.
Variant type: single nucleotide variant.
Coding change: c.4128A>T on transcript NM_001395002.1 (MANE Select); coding-DNA position 4128, A replaced by T.
Protein change: p.Leu1376Phe; replaces leucine 1376 with phenylalanine.
Molecular consequence: missense variant. On other transcripts: non-coding transcript variant (4).
Genome position (GRCh38, 1-based): chr2:101,891,222, A>T. VCF-style: chr2-101891222-A-T. GRCh37 (hg19) VCF-style: chr2-102507684-A-T.
Other names: c.3693A>T, p.Leu1231Phe (NM_001242559.2); c.3681A>T, p.Leu1227Phe (NM_001242560.2); c.3771A>T, p.Leu1257Phe (NM_001384476.1); c.3960A>T, p.Leu1320Phe (NM_001384477.1); c.3450A>T, p.Leu1150Phe (NM_001384478.1); c.3912A>T, p.Leu1304Phe (NM_001384481.1); c.3441A>T, p.Leu1147Phe (NM_001384482.1); c.3723A>T, p.Leu1241Phe (NM_001384483.1); and 40 more; short protein forms L1141F, L1147F, L1150F, L1157F, L1169F, L1180F, L1181F, L1192F.
Identifiers: ClinVar variation 4536591 (VCV004536591.1).